The following is an entry in ClinVar:

NM_000038.6(APC):c.5191G>C (p.Ala1731Pro)

Gene: APC (APC regulator of Wnt signaling pathway; plus strand). Cytogenetic location: 5q22.2.
Variant type: single nucleotide variant.
Coding change: c.5191G>C on transcript NM_000038.6 (MANE Select); coding-DNA position 5191, G replaced by C.
Protein change: p.Ala1731Pro; replaces alanine 1731 with proline.
Molecular consequence: missense variant. On other transcripts: non-coding transcript variant (2).
Genome position (GRCh38, 1-based): chr5:112,840,785, G>C. VCF-style: chr5-112840785-G-C. GRCh37 (hg19) VCF-style: chr5-112176482-G-C.
Other names: c.5191G>C, p.Ala1731Pro (NM_001127510.3, NM_001354895.2, NM_001407450.1); c.5137G>C, p.Ala1713Pro (NM_001127511.3); c.5245G>C, p.Ala1749Pro (NM_001354896.2, NM_001407447.1, NM_001407448.1 and 1 more transcripts); c.5221G>C, p.Ala1741Pro (NM_001354897.2); c.5116G>C, p.Ala1706Pro (NM_001354898.2); c.5107G>C, p.Ala1703Pro (NM_001354899.2); c.5068G>C, p.Ala1690Pro (NM_001354900.2); c.5014G>C, p.Ala1672Pro (NM_001354901.2, NM_001407453.1); and 11 more; short protein forms A1672P, A1721P, A1347P, A1448P, A1605P, A1630P, A1640P, A1648P.
Identifiers: ClinVar variation 3635482 (VCV003635482.2).

ClinVar aggregate classification (germline): Uncertain significance (1 of 4 stars; one submission).

Conditions:
Familial adenomatous polyposis 1 (FAP1). Also called: FAMILIAL ADENOMATOUS POLYPOSIS 1, ATTENUATED; POLYPOSIS, ADENOMATOUS INTESTINAL. Identifiers: MedGen C2713442, MONDO:0021056, OMIM 175100. Disease mechanism: loss of function.

Submission:

Labcorp Genetics (formerly Invitae), Labcorp
Classification: Uncertain significance for Familial adenomatous polyposis 1. Last evaluated: 2024-12-18. Review status: criteria provided, single submitter. Criteria: Invitae Variant Classification Sherloc (09022015). Collection method: clinical testing. Allele origin: germline.
Comment: This sequence change replaces alanine, which is neutral and non-polar, with proline, which is neutral and non-polar, at codon 1731 of the APC protein (p.Ala1731Pro). This variant is not present in population databases (gnomAD no frequency). This variant has not been reported in the literature in individuals affected with APC-related conditions. Invitae Evidence Modeling of protein sequence and biophysical properties (such as structural, functional, and spatial information, amino acid conservation, physicochemical variation, residue mobility, and thermodynamic stability) indicates that this missense variant is not expected to disrupt APC protein function with a negative predictive value of 95%. In summary, the available evidence is currently insufficient to determine the role of this variant in disease. Therefore, it has been classified as a Variant of Uncertain Significance.